The following is an entry in ClinVar:

NM_017777.4(MKS1):c.1394del (p.Pro465fs)

Gene: MKS1 (MKS transition zone complex subunit 1; minus strand). Cytogenetic location: 17q22.
Variant type: Deletion.
Coding change: c.1394del on transcript NM_017777.4 (MANE Select); coding-DNA position 1394, one base deleted (C; older notation c.1394delC).
Protein change: p.Pro465fs; shifts the reading frame from proline 465.
Molecular consequence: frameshift variant. On other transcripts: intron variant (1).
Genome position (GRCh38, 1-based): chr17:58,207,098, G deleted on the plus strand (C on the coding strand, the reverse complement: MKS1 is on the minus strand); the first of 2 consecutive G bases (chr17:58,207,098-58,207,099); deleting either gives the same sequence. VCF-style (leftmost placement, unchanged base first): chr17-58207097-TG-T. GRCh37 (hg19) VCF-style: chr17-56284458-TG-T.
Other names: c.785del, p.Pro262fs (NM_001321268.2); c.1394del, p.Pro465fs (NM_001321269.2); c.1274-718del (NM_001330397.2); c.1394delC (NM_017777.4, NM_017777.3); short protein forms P262fs, P465fs.
Identifiers: ClinVar variation 371771 (VCV000371771.16), dbSNP rs865870355, ClinGen allele CA16041856.

ClinVar aggregate classification (germline): Pathogenic/Likely pathogenic. Review status: criteria provided, multiple submitters, no conflicts (2 of 4 stars). 9 submissions from 7 submitters: Pathogenic (2); Likely pathogenic (4). 3 of the submissions do not count toward it. Last evaluated 2025-10-02.

Conditions:
Bardet-Biedl syndrome 13 (BBS13). Identifiers: Orphanet 110, MedGen C2673873, MONDO:0014441, OMIM 615990.
Autosomal recessive MKS1-related disorders.
Joubert syndrome 28 (JBTS28). Identifiers: MedGen C4310705, MONDO:0014928, OMIM 617121.
Meckel syndrome, type 1 (MKS1). Also called: MECKEL-GRUBER SYNDROME, TYPE 1. Identifiers: Orphanet 564, MedGen C3714506, MONDO:0009571, OMIM 249000.
Meckel-Gruber syndrome. Also called: GRUBER SYNDROME; DYSENCEPHALIA SPLANCHNOCYSTICA; Dysencephalia splachnocystica. Identifiers: Orphanet 564, MedGen C0265215, MONDO:0018921.
Joubert syndrome. Also called: JOUBERT-BOLTSHAUSER SYNDROME; Familial aplasia of the vermis. Identifiers: Orphanet 475, MedGen C5979921, MONDO:0018772.

Submissions (9):

Natera, Inc.
Classification: Likely pathogenic for Meckel syndrome type 1. Last evaluated: 2025-10-02. Review status: criteria provided, single submitter. Criteria: Natera Variant Classification Schema (03/2026). Collection method: clinical testing. Allele origin: germline.
Comment: The c.1394delC variant in MKS1 is a frameshift variant predicted to shift the reading frame beginning at codon 465 and leads to a stop codon 9 codons downstream. This variant is expected to result in nonsense mediated decay, truncation, or a dysfunctional protein product. This variant is rare in the general population with a frequency below the threshold expected for the associated phenotype(s). Given the available evidence, this variant is classified as Likely Pathogenic.

Variantyx, Inc.
Classification: Likely pathogenic for Autosomal recessive MKS1-related disorders. Last evaluated: 2025-07-15. Review status: criteria provided, single submitter. Criteria: Variantyx Assertion Criteria 2022. Collection method: clinical testing. Allele origin: germline. Inheritance: Autosomal recessive inheritance. Affected: no.
Comment: This is a frameshift variant in the MKS1 gene (OMIM: 609883). Pathogenic variants in this gene have been associated with autosomal recessive MKS1-related disorders. This variant introduces a premature termination codon in exon 15 out of 18 and is expected to result in loss of function, which is a known disease mechanism for MKS1 in this disorder (PMID: 19466712, 24886560, 26490104) (PVS1). This variant has a 0.0038% maximum allele frequency in non-founder control populations (PM2). Based on the current evidence, this variant is classified as likely pathogenic for autosomal recessive MKS1-related disorders.

Women's Health and Genetics/Laboratory Corporation of America, LabCorp
Classification: Pathogenic for Meckel syndrome, type 1. Last evaluated: 2024-02-05. Review status: criteria provided, single submitter. Criteria: LabCorp Variant Classification Summary - May 2015. Collection method: clinical testing. Allele origin: germline.
Comment: Variant summary: MKS1 c.1394delC (p.Pro465GlnfsX9) results in a premature termination codon, predicted to cause a truncation of the encoded protein or absence of the protein due to nonsense mediated decay, which are commonly known mechanisms for disease. The variant allele was found at a frequency of 8e-06 in 249548 control chromosomes. To our knowledge, no occurrence of c.1394delC in individuals affected with Meckel Syndrome Type 1 and no experimental evidence demonstrating its impact on protein function have been reported. ClinVar contains an entry for this variant (Variation ID: 371771). Based on the evidence outlined above, the variant was classified as pathogenic.

Labcorp Genetics (formerly Invitae), Labcorp
Classification: Pathogenic for Joubert syndrome; Meckel-Gruber syndrome. Last evaluated: 2023-12-17. Review status: criteria provided, single submitter. Criteria: Invitae Variant Classification Sherloc (09022015). Collection method: clinical testing. Allele origin: germline.
Comment: This sequence change creates a premature translational stop signal (p.Pro465Glnfs*9) in the MKS1 gene. It is expected to result in an absent or disrupted protein product. Loss-of-function variants in MKS1 are known to be pathogenic (PMID: 19466712, 24886560, 26490104). This variant is present in population databases (no rsID available, gnomAD 0.002%). This variant has not been reported in the literature in individuals affected with MKS1-related conditions. ClinVar contains an entry for this variant (Variation ID: 371771). For these reasons, this variant has been classified as Pathogenic.

Baylor Genetics
Classification: Likely pathogenic for Bardet-Biedl syndrome 13. Last evaluated: 2023-07-08. Review status: criteria provided, single submitter. Criteria: ACMG Guidelines, 2015. Collection method: clinical testing. Allele origin: unknown.

Fulgent Genetics
Classification: Likely pathogenic for Meckel syndrome, type 1; Bardet-Biedl syndrome 13; Joubert syndrome 28. Last evaluated: 2021-11-11. Review status: criteria provided, single submitter. Criteria: ACMG Guidelines, 2015. Collection method: clinical testing. Allele origin: unknown.

Counsyl
Classification: Likely pathogenic for Meckel syndrome, type 1. Last evaluated: 2016-11-02. Review status: no assertion criteria provided. Collection method: clinical testing. Allele origin: unknown. Not counted in ClinVar's aggregate classification.

Counsyl
Classification: Likely pathogenic for Bardet-Biedl syndrome 13. Last evaluated: 2016-11-02. Review status: no assertion criteria provided. Collection method: clinical testing. Allele origin: unknown. Not counted in ClinVar's aggregate classification.

Counsyl
Classification: Likely pathogenic for Joubert syndrome 28. Last evaluated: 2016-11-02. Review status: no assertion criteria provided. Collection method: clinical testing. Allele origin: unknown. Not counted in ClinVar's aggregate classification.

Literature cited by the submitters: PubMed 19466712 (cited by Variantyx, Inc. and Labcorp Genetics (formerly Invitae), Labcorp); PubMed 24886560 (cited by Variantyx, Inc. and Labcorp Genetics (formerly Invitae), Labcorp); PubMed 26490104 (cited by Variantyx, Inc. and Labcorp Genetics (formerly Invitae), Labcorp).